The following is an entry in ClinVar:

NM_000264.5(PTCH1):c.28C>T (p.Pro10Ser)

Genes: PTCH1 (patched 1; minus strand), LOC130002133 (ATAC-STARR-seq lymphoblastoid silent region 20071; plus strand). Cytogenetic location: 9q22.32.
Variant type: single nucleotide variant.
Coding change: c.28C>T on transcript NM_000264.5 (MANE Select); coding-DNA position 28, C replaced by T.
Protein change: p.Pro10Ser; replaces proline 10 with serine.
Molecular consequence: missense variant. On other transcripts: non-coding transcript variant (1), intron variant (3).
Genome position (GRCh38, 1-based): chr9:95,508,334, G>A on the plus strand (C>T on the coding strand, the complement: PTCH1 is on the minus strand). VCF-style: chr9-95508334-G-A. GRCh37 (hg19) VCF-style: chr9-98270616-G-A.
Other names: c.28C>T, p.Pro10Ser (NM_001354918.2); c.199-1735C>T (NM_001083603.3); c.4-1735C>T (NM_001083602.3, NM_001354919.2); short protein forms P10S.
Identifiers: ClinVar variation 821966 (VCV000821966.13), dbSNP rs1587701162, ClinGen allele CA374121635.

ClinVar aggregate classification (germline): Conflicting classifications of pathogenicity. Review status: criteria provided, conflicting classifications (1 of 4 stars). 3 submissions from 3 submitters: Uncertain significance (1); Benign (1); Likely benign (1). Last evaluated 2023-12-31.

Conditions:
Hereditary cancer-predisposing syndrome. Also called: Hereditary Cancer Syndrome; Neoplastic Syndromes, Hereditary; Hereditary neoplastic syndrome; Tumor predisposition. Identifiers: Orphanet 140162, MedGen C0027672, MeSH D009386, MONDO:0015356.
Gorlin syndrome. Also called: Nevoid Basal Cell Carcinoma Syndrome; Basal cell nevus syndrome. Identifiers: Orphanet 377, MedGen C0004779, MONDO:0007187.

Submissions (3):

Labcorp Genetics (formerly Invitae), Labcorp
Classification: Uncertain significance for Gorlin syndrome. Last evaluated: 2023-12-31. Review status: criteria provided, single submitter. Criteria: Invitae Variant Classification Sherloc (09022015). Collection method: clinical testing. Allele origin: germline.
Comment: This sequence change replaces proline, which is neutral and non-polar, with serine, which is neutral and polar, at codon 10 of the PTCH1 protein (p.Pro10Ser). This variant is not present in population databases (gnomAD no frequency). This variant has not been reported in the literature in individuals affected with PTCH1-related conditions. ClinVar contains an entry for this variant (Variation ID: 821966). Advanced modeling of protein sequence and biophysical properties (such as structural, functional, and spatial information, amino acid conservation, physicochemical variation, residue mobility, and thermodynamic stability) performed at Invitae indicates that this missense variant is not expected to disrupt PTCH1 protein function with a negative predictive value of 95%. In summary, the available evidence is currently insufficient to determine the role of this variant in disease. Therefore, it has been classified as a Variant of Uncertain Significance.

Ambry Genetics
Classification: Likely benign for Hereditary cancer-predisposing syndrome. Last evaluated: 2023-11-16. Review status: criteria provided, single submitter. Criteria: Ambry Variant Classification Scheme 2023. Collection method: clinical testing. Allele origin: germline.

Genetic Services Laboratory, University of Chicago
Classification: Benign. Last evaluated: 2021-06-15. Review status: criteria provided, single submitter. Criteria: ACMG Guidelines, 2015. Collection method: clinical testing. Allele origin: germline. Affected: no.